The following is an entry in ClinVar:

ClinVar aggregate classification (germline): Benign/Likely benign. Review status: criteria provided, multiple submitters, no conflicts (2 of 4 stars). 3 submissions from 3 submitters: Benign (1); Likely benign (2). Last evaluated 2026-09-28.

Conditions:
Neurofibromatosis, type 1 (NF1). Also called: NEUROFIBROMATOSIS, TYPE I, SOMATIC; Neurofibromatosis, type I; VON RECKLINGHAUSEN DISEASE; Peripheral type neurofibromatosis. Identifiers: Orphanet 636, MedGen C0027831, MONDO:0018975, OMIM 162200. Disease mechanism: loss of function.
Cardiovascular phenotype. Identifiers: MedGen CN230736.
Hereditary cancer-predisposing syndrome. Also called: Neoplastic Syndromes, Hereditary; Tumor predisposition; Hereditary Cancer Syndrome; Hereditary neoplastic syndrome. Identifiers: Orphanet 140162, MedGen C0027672, MeSH D009386, MONDO:0015356.

Submissions (3):

Myriad Genetics, Inc.
Classification: Benign for Neurofibromatosis, type 1. Last evaluated: 2026-09-28. Review status: criteria provided, single submitter. Criteria: Myriad Autosomal Dominant, Autosomal Recessive and X-Linked Classification Criteria (2023). Collection method: clinical testing. Allele origin: unknown.
Comment: This variant is considered benign. This variant is a silent/synonymous amino acid change and it is not expected to impact splicing.

Labcorp Genetics (formerly Invitae), Labcorp
Classification: Likely benign for Neurofibromatosis, type 1. Last evaluated: 2025-12-24. Review status: criteria provided, single submitter. Criteria: Invitae Variant Classification Sherloc (09022015). Collection method: clinical testing. Allele origin: germline.

Ambry Genetics
Classification: Likely benign for Cardiovascular phenotype; Hereditary cancer-predisposing syndrome. Last evaluated: 2021-04-12. Review status: criteria provided, single submitter. Criteria: Ambry Variant Classification Scheme 2023. Collection method: clinical testing. Allele origin: germline.

NM_001042492.3(NF1):c.8519G>A (p.Ter2840=)

Gene: NF1 (neurofibromin 1; plus strand). Cytogenetic location: 17q11.2.
Variant type: single nucleotide variant.
Coding change: c.8519G>A on transcript NM_001042492.3 (MANE Select); coding-DNA position 8519, G replaced by A.
Protein change: p.Ter2840=.
Molecular consequence: synonymous variant.
Genome position (GRCh38, 1-based): chr17:31,374,154, G>A. VCF-style: chr17-31374154-G-A. GRCh37 (hg19) VCF-style: chr17-29701172-G-A.
Other names: c.8456G>A, p.Ter2819= (NM_000267.4).
Identifiers: ClinVar variation 1549032 (VCV001549032.11), dbSNP rs2151601679, ClinGen allele CA499354422.